The following is an entry in ClinVar:

NM_000094.4(COL7A1):c.2483_2484del (p.Ser828fs)

Gene: COL7A1 (collagen type VII alpha 1 chain; minus strand). Cytogenetic location: 3p21.31.
Variant type: Microsatellite.
Coding change: c.2483_2484del on transcript NM_000094.4 (MANE Select); coding-DNA positions 2483 to 2484, 2 bases deleted (CT; older notation c.2483_2484delCT).
Protein change: p.Ser828fs; shifts the reading frame from serine 828.
Molecular consequence: frameshift variant.
Genome position (GRCh38, 1-based): chr3:48,588,745-48,588,746, AG deleted on the plus strand (CT on the coding strand, the reverse complement: COL7A1 is on the minus strand); deleting any 2 consecutive bases within chr3:48,588,745-48,588,748 gives the same sequence; the c. name uses the placement nearest the transcript's 3' end. VCF-style (leftmost placement, unchanged base first): chr3-48588744-CAG-C. GRCh37 (hg19) VCF-style: chr3-48626177-CAG-C.
Other names: short protein forms S828fs.
Identifiers: ClinVar variation 3720509 (VCV003720509.2).
Genomic context (GRCh38, chr3:48,588,744, plus strand): 5'-CGACAAGTGCAGTCACTCGCACTGAGTAGCTGACTCCACCTTCGAGACCCCGGATCTCTG[CAG>C]AGTCTGTGTTTCCTGGGAGTATCTGGTGCCTCATGGGGCCGCCTGGCCAGGTGGGCATAC-3'

ClinVar aggregate classification (germline): Pathogenic (1 of 4 stars; one submission).

Submission:

Labcorp Genetics (formerly Invitae), Labcorp
Classification: Pathogenic. Last evaluated: 2024-12-18. Review status: criteria provided, single submitter. Criteria: Invitae Variant Classification Sherloc (09022015). Collection method: clinical testing. Allele origin: germline.
Comment: This sequence change creates a premature translational stop signal (p.Ser828Cysfs*37) in the COL7A1 gene. It is expected to result in an absent or disrupted protein product. Loss-of-function variants in COL7A1 are known to be pathogenic (PMID: 16971478). This variant is not present in population databases (gnomAD no frequency). This premature translational stop signal has been observed in individual(s) with autosomal recessive dystrophic epidermolysis bullosa (PMID: 12485454). For these reasons, this variant has been classified as Pathogenic.

Literature cited by the submitters: PubMed 16971478; PubMed 12485454.